The following is an entry in ClinVar:

ClinVar aggregate classification (germline): Likely benign (1 of 4 stars; one submission).

Conditions:
Familial cancer of breast. Also called: Hereditary breast cancer; BREAST CANCER, FAMILIAL; hereditary breast carcinoma. Identifiers: Orphanet 227535, MedGen C0346153, MONDO:0016419, OMIM 114480. Disease mechanism: loss of function.

Submission:

Myriad Genetics, Inc.
Classification: Likely benign for Familial cancer of breast. Last evaluated: 2024-10-02. Review status: criteria provided, single submitter. Criteria: Myriad Autosomal Dominant, Autosomal Recessive and X-Linked Classification Criteria (2023). Collection method: clinical testing. Allele origin: unknown.
Comment: This variant is considered likely benign. This variant is intronic and is not expected to impact mRNA splicing.

NM_007194.4(CHEK2):c.445-7A>C

Gene: CHEK2 (checkpoint kinase 2; minus strand). Cytogenetic location: 22q12.1.
Variant type: single nucleotide variant.
Coding change: c.445-7A>C on transcript NM_007194.4 (MANE Select); 7 bases into the intron before coding-DNA position 445, A replaced by C.
Molecular consequence: intron variant.
Genome position (GRCh38, 1-based): chr22:28,725,131, T>G on the plus strand (A>C on the coding strand, the complement: CHEK2 is on the minus strand). VCF-style: chr22-28725131-T-G. GRCh37 (hg19) VCF-style: chr22-29121119-T-G.
Other names: c.-219-7A>C (NM_001437942.1); c.444+112A>C (NM_001349956.3); c.445-7A>C (NM_145862.3); c.-333-7A>C (NM_001257387.3); c.538-7A>C (NM_001438295.1, NM_001438293.1); c.574-7A>C (NM_001438294.1, NM_001005735.3).
Identifiers: ClinVar variation 3772841 (VCV003772841.1).